The following is an entry in ClinVar:

NM_006922.4(SCN3A):c.5998A>C (p.Lys2000Gln)

Gene: SCN3A (sodium voltage-gated channel alpha subunit 3; minus strand). Cytogenetic location: 2q24.3.
Variant type: single nucleotide variant.
Coding change: c.5998A>C on transcript NM_006922.4 (MANE Select); coding-DNA position 5998, A replaced by C.
Protein change: p.Lys2000Gln; replaces lysine 2000 with glutamine.
Molecular consequence: missense variant.
Genome position (GRCh38, 1-based): chr2:165,090,155, T>G on the plus strand (A>C on the coding strand, the complement: SCN3A is on the minus strand). VCF-style: chr2-165090155-T-G. GRCh37 (hg19) VCF-style: chr2-165946665-T-G.
Other names: c.5851A>C, p.Lys1951Gln (NM_001081676.2, NM_001081677.2); short protein forms K1951Q, K2000Q.
Identifiers: ClinVar variation 1968485 (VCV001968485.5), dbSNP rs1040498167, ClinGen allele CA349008728.

ClinVar aggregate classification (germline): Uncertain significance (1 of 4 stars; one submission).

gnomAD v4.1: 1 of 1,577,430 alleles (0.000063%); highest among the groups gnomAD compares: African/African-American, 0.0013%; no homozygotes.

Submission:

Labcorp Genetics (formerly Invitae), Labcorp
Classification: Uncertain significance. Last evaluated: 2023-11-27. Review status: criteria provided, single submitter. Criteria: Invitae Variant Classification Sherloc (09022015). Collection method: clinical testing. Allele origin: germline.
Comment: This sequence change replaces lysine, which is basic and polar, with glutamine, which is neutral and polar, at codon 2000 of the SCN3A protein (p.Lys2000Gln). This variant is not present in population databases (gnomAD no frequency). This variant has not been reported in the literature in individuals affected with SCN3A-related conditions. ClinVar contains an entry for this variant (Variation ID: 1968485). Advanced modeling of protein sequence and biophysical properties (such as structural, functional, and spatial information, amino acid conservation, physicochemical variation, residue mobility, and thermodynamic stability) performed at Invitae indicates that this missense variant is not expected to disrupt SCN3A protein function with a negative predictive value of 95%. In summary, the available evidence is currently insufficient to determine the role of this variant in disease. Therefore, it has been classified as a Variant of Uncertain Significance.